The following is an entry in ClinVar:

NM_002519.3(NPAT):c.484G>A (p.Gly162Ser)

Gene: NPAT (nuclear protein, coactivator of histone transcription; minus strand). Cytogenetic location: 11q22.3.
Variant type: single nucleotide variant.
Coding change: c.484G>A on transcript NM_002519.3 (MANE Select); coding-DNA position 484, G replaced by A.
Protein change: p.Gly162Ser; replaces glycine 162 with serine.
Molecular consequence: missense variant.
Genome position (GRCh38, 1-based): chr11:108,189,178, C>T on the plus strand (G>A on the coding strand, the complement: NPAT is on the minus strand). VCF-style: chr11-108189178-C-T. GRCh37 (hg19) VCF-style: chr11-108059905-C-T.
Other names: c.484G>A, p.Gly162Ser (NM_001321307.1); short protein forms G162S.
Identifiers: ClinVar variation 1743563 (VCV001743563.3), dbSNP rs2496745472, ClinGen allele CA382524465.

ClinVar aggregate classification (germline): Uncertain significance (1 of 4 stars; one submission).

Allele frequency attached by ClinVar (database versions not stated): gnomAD exomes below 0.00001.
gnomAD v4.1: 1 of 1,614,098 alleles (0.000062%); highest among the groups gnomAD compares: Non-Finnish European, 0.000085%; no homozygotes.

Submission:

Ambry Genetics
Classification: Uncertain significance. Last evaluated: 2024-05-28. Review status: criteria provided, single submitter. Criteria: Ambry Variant Classification Scheme 2023. Collection method: clinical testing. Allele origin: germline.
Comment: The p.G162S variant (also known as c.484G>A), located in coding exon 6 of the NPAT gene, results from a G to A substitution at nucleotide position 484. The glycine at codon 162 is replaced by serine, an amino acid with similar properties. This amino acid position is conserved. In addition, this alteration is predicted to be tolerated by in silico analysis. Since supporting evidence is limited at this time, the clinical significance of this alteration remains unclear.